The following is an entry in ClinVar:

NM_001378452.1(ITPR1):c.5735C>T (p.Pro1912Leu)

Gene: ITPR1 (inositol 1,4,5-trisphosphate receptor type 1; plus strand). Cytogenetic location: 3p26.1.
Variant type: single nucleotide variant.
Coding change: c.5735C>T on transcript NM_001378452.1 (MANE Select); coding-DNA position 5735, C replaced by T.
Protein change: p.Pro1912Leu; replaces proline 1912 with leucine.
Molecular consequence: missense variant.
Genome position (GRCh38, 1-based): chr3:4,768,520, C>T. VCF-style: chr3-4768520-C-T. GRCh37 (hg19) VCF-style: chr3-4810204-C-T.
Other names: c.5546C>T (NM_002222.5); c.5591C>T, p.Pro1864Leu (NM_001099952.4); c.5690C>T, p.Pro1897Leu (NM_001168272.2); c.5546C>T, p.Pro1849Leu (NM_002222.7); short protein forms P1849L, P1864L, P1897L, P1912L.
Identifiers: ClinVar variation 1807467 (VCV001807467.8), dbSNP rs770924176, ClinGen allele CA2232411.
Genomic context (GRCh38, chr3:4,768,520, plus strand): 5'-TAGGGCCCATGAGGACTCTGCAGCCTTTCATGCCTTATGCTTGCTTTCTAGCTAAAGAGC[C>T]CACAACACAGATAACAGAAGAGGTCCGGGATCAGCTCCTGGAGGCCTCCGCTGCCACCAG-3'
Protein context (NP_001365381.1, residues 1902-1922): DAPSRKKAKE[Pro1912Leu]TTQITEEVRD

ClinVar aggregate classification (germline): Uncertain significance. Review status: criteria provided, multiple submitters, no conflicts (2 of 4 stars). 3 submissions from 3 submitters: Uncertain significance (3). Last evaluated 2025-01-26.

Allele frequency attached by ClinVar (database versions not stated): gnomAD 0.00001; TOPMed 0.00001; ExAC 0.00001; gnomAD exomes 0.00001.
gnomAD v4.1: 12 of 1,608,862 alleles (0.00075%); highest among the groups gnomAD compares: African/African-American, 0.0013%; no homozygotes.

Submissions (3):

GeneDx
Classification: Uncertain significance. Last evaluated: 2025-01-26. Review status: criteria provided, single submitter. Criteria: GeneDx Variant Classification Process June 2021. Collection method: clinical testing. Allele origin: germline.
Comment: Has not been previously published as pathogenic or benign to our knowledge; In silico analysis supports that this missense variant has a deleterious effect on protein structure/function

Labcorp Genetics (formerly Invitae), Labcorp
Classification: Uncertain significance. Last evaluated: 2022-03-09. Review status: criteria provided, single submitter. Criteria: Invitae Variant Classification Sherloc (09022015). Collection method: clinical testing. Allele origin: germline.
Comment: This sequence change replaces proline, which is neutral and non-polar, with leucine, which is neutral and non-polar, at codon 1849 of the ITPR1 protein (p.Pro1849Leu). This variant is present in population databases (rs770924176, gnomAD 0.007%). This variant has not been reported in the literature in individuals affected with ITPR1-related conditions. Algorithms developed to predict the effect of missense changes on protein structure and function (SIFT, PolyPhen-2, Align-GVGD) all suggest that this variant is likely to be tolerated. In summary, the available evidence is currently insufficient to determine the role of this variant in disease. Therefore, it has been classified as a Variant of Uncertain Significance.

Athena Diagnostics
Classification: Uncertain significance. Last evaluated: 2021-09-30. Review status: criteria provided, single submitter. Criteria: Athena Diagnostics Criteria. Collection method: clinical testing. Allele origin: unknown.